The following is an entry in ClinVar:

ClinVar aggregate classification (germline): Uncertain significance. Review status: criteria provided, multiple submitters, no conflicts (2 of 4 stars). 2 submissions from 2 submitters: Uncertain significance (2). Last evaluated 2025-04-07.

Conditions:
Neurofibromatosis, type 1 (NF1). Also called: NEUROFIBROMATOSIS, TYPE I, SOMATIC; VON RECKLINGHAUSEN DISEASE; Peripheral type neurofibromatosis; Neurofibromatosis, type I. Identifiers: Orphanet 636, MedGen C0027831, MONDO:0018975, OMIM 162200. Disease mechanism: loss of function.

Submissions (2):

Labcorp Genetics (formerly Invitae), Labcorp
Classification: Uncertain significance for Neurofibromatosis, type 1. Last evaluated: 2025-04-07. Review status: criteria provided, single submitter. Criteria: Invitae Variant Classification Sherloc (09022015). Collection method: clinical testing. Allele origin: germline.
Comment: This sequence change replaces isoleucine, which is neutral and non-polar, with methionine, which is neutral and non-polar, at codon 573 of the NF1 protein (p.Ile573Met). This variant is not present in population databases (gnomAD no frequency). This variant has not been reported in the literature in individuals affected with NF1-related conditions. ClinVar contains an entry for this variant (Variation ID: 1462091). An algorithm developed to predict the effect of missense changes on protein structure and function (PolyPhen-2) suggests that this variant is likely to be disruptive. In summary, the available evidence is currently insufficient to determine the role of this variant in disease. Therefore, it has been classified as a Variant of Uncertain Significance.

GeneDx
Classification: Uncertain significance. Last evaluated: 2023-01-20. Review status: criteria provided, single submitter. Criteria: GeneDx Variant Classification Process June 2021. Collection method: clinical testing. Allele origin: germline. Affected: yes.
Comment: Not observed at significant frequency in large population cohorts (gnomAD); In silico analysis supports that this missense variant does not alter protein structure/function; Has not been previously published as pathogenic or benign to our knowledge; This variant is associated with the following publications: (PMID: 25486365)

NM_001042492.3(NF1):c.1719T>G (p.Ile573Met)

Gene: NF1 (neurofibromin 1; plus strand). Cytogenetic location: 17q11.2.
Variant type: single nucleotide variant.
Coding change: c.1719T>G on transcript NM_001042492.3 (MANE Select); coding-DNA position 1719, T replaced by G.
Protein change: p.Ile573Met; replaces isoleucine 573 with methionine.
Molecular consequence: missense variant.
Genome position (GRCh38, 1-based): chr17:31,221,927, T>G. VCF-style: chr17-31221927-T-G. GRCh37 (hg19) VCF-style: chr17-29548945-T-G.
Other names: c.1719T>G, p.Ile573Met (NM_000267.4, NM_001128147.3); short protein forms I573M.
Identifiers: ClinVar variation 1462091 (VCV001462091.9), dbSNP rs2144004922, ClinGen allele CA399002384.
Genomic context (GRCh38, chr17:31,221,927, plus strand): 5'-TCAGTTAGATAGCATTGATTTGTGGAATCCTGATGCTCCTGTAGAAACATTTTGGGAGAT[T>G]AGGTATATGTACTTTTATTTTTTAAATTCAACTTTTAAATTTTATTTTGTATTTTTGTCT-3'
Protein context (NP_001035957.1, residues 563-583): PDAPVETFWE[Ile573Met]SSQMLFYICK